The following is an entry in ClinVar:

NM_002661.5(PLCG2):c.1220A>G (p.Glu407Gly)

Gene: PLCG2 (phospholipase C gamma 2; plus strand). Cytogenetic location: 16q23.3.
Variant type: single nucleotide variant.
Coding change: c.1220A>G on transcript NM_002661.5 (MANE Select); coding-DNA position 1220, A replaced by G.
Protein change: p.Glu407Gly; replaces glutamic acid 407 with glycine.
Molecular consequence: missense variant.
Genome position (GRCh38, 1-based): chr16:81,900,638, A>G. VCF-style: chr16-81900638-A-G. GRCh37 (hg19) VCF-style: chr16-81934243-A-G.
Other names: short protein forms E407G.
Identifiers: ClinVar variation 958830 (VCV000958830.9), dbSNP rs1909109489, ClinGen allele CA396899243.

ClinVar aggregate classification (germline): Uncertain significance (1 of 4 stars; one submission).

Conditions:
Familial cold autoinflammatory syndrome 3 (FCAS3). Also called: FAMILIAL ATYPICAL COLD URTICARIA; ANTIBODY DEFICIENCY AND IMMUNE DYSREGULATION, PLCG2-ASSOCIATED. Identifiers: Orphanet 300359, MedGen C3280914, MONDO:0013766, OMIM 614468.

Submission:

Labcorp Genetics (formerly Invitae), Labcorp
Classification: Uncertain significance for Familial cold autoinflammatory syndrome 3. Last evaluated: 2019-11-15. Review status: criteria provided, single submitter. Criteria: Invitae Variant Classification Sherloc (09022015). Collection method: clinical testing. Allele origin: germline.
Comment: In summary, the available evidence is currently insufficient to determine the role of this variant in disease. Therefore, it has been classified as a Variant of Uncertain Significance. Algorithms developed to predict the effect of missense changes on protein structure and function are either unavailable or do not agree on the potential impact of this missense change (SIFT: "Deleterious"; PolyPhen-2: "Possibly Damaging"; Align-GVGD: "Class C0"). This variant has not been reported in the literature in individuals with PLCG2-related conditions. This variant is not present in population databases (ExAC no frequency). This sequence change replaces glutamic acid with glycine at codon 407 of the PLCG2 protein (p.Glu407Gly). The glutamic acid residue is highly conserved and there is a moderate physicochemical difference between glutamic acid and glycine.